The following is an entry in ClinVar:

NM_005518.4(HMGCS2):c.270G>A (p.Gln90=)

Gene: HMGCS2 (3-hydroxy-3-methylglutaryl-CoA synthase 2; minus strand). Cytogenetic location: 1p12.
Variant type: single nucleotide variant.
Coding change: c.270G>A on transcript NM_005518.4 (MANE Select); coding-DNA position 270, G replaced by A.
Protein change: p.Gln90=; no amino-acid change (glutamine 90 retained).
Molecular consequence: synonymous variant.
Genome position (GRCh38, 1-based): chr1:119,764,461, C>T on the plus strand (G>A on the coding strand, the complement: HMGCS2 is on the minus strand). VCF-style: chr1-119764461-C-T. GRCh37 (hg19) VCF-style: chr1-120307084-C-T.
Other names: c.270G>A, p.Gln90= (NM_001166107.1).
Identifiers: ClinVar variation 292339 (VCV000292339.25), dbSNP rs41302817, ClinGen allele CA1037921.

ClinVar aggregate classification (germline): Benign/Likely benign. Review status: criteria provided, multiple submitters, no conflicts (2 of 4 stars). 5 submissions from 5 submitters: Benign (1); Likely benign (4). Last evaluated 2026-02-01.

Conditions:
3-hydroxy-3-methylglutaryl-CoA synthase deficiency (HMGCS2D). Also called: HMG-CoA synthase-2 deficiency; HMGCS2 DEFICIENCY; MITOCHONDRIAL HMG-CoA SYNTHASE DEFICIENCY. Identifiers: Orphanet 35701, MedGen C2751532, MONDO:0011614, OMIM 605911.

Allele frequency attached by ClinVar (database versions not stated): TOPMed 0.00079; 1000 Genomes Project 30x 0.00109; ESP Exome Variant Server 0.00115; 1000 Genomes Project 0.00140; gnomAD exomes 0.00179 and 0.00256; gnomAD 0.00210 and 0.00216; ExAC 0.00295.
gnomAD v4.1: 2,935 of 1,613,020 alleles (0.18%); highest among the groups gnomAD compares: Non-Finnish European, 0.16%; 11 homozygotes.

Submissions (5):

CeGaT Center for Human Genetics Tuebingen
Classification: Likely benign. Last evaluated: 2026-02-01. Review status: criteria provided, single submitter. Criteria: CeGaT Center For Human Genetics Tuebingen Variant Classification Criteria Version 2. Collection method: clinical testing. Allele origin: germline. Affected: yes. Observed: 1 variant allele.
Comment: HMGCS2: BP4, BP7

Labcorp Genetics (formerly Invitae), Labcorp
Classification: Benign for 3-hydroxy-3-methylglutaryl-CoA synthase deficiency. Last evaluated: 2026-01-26. Review status: criteria provided, single submitter. Criteria: Invitae Variant Classification Sherloc (09022015). Collection method: clinical testing. Allele origin: germline.

Blueprint Genetics
Classification: Likely benign. Last evaluated: 2024-11-11. Review status: criteria provided, single submitter. Criteria: ACMG Guidelines, 2015. Collection method: clinical testing. Allele origin: germline.

GeneDx
Classification: Likely benign. Last evaluated: 2018-06-11. Review status: criteria provided, single submitter. Criteria: GeneDx Variant Classification Process June 2021. Collection method: clinical testing. Allele origin: germline. Affected: yes.

Illumina Laboratory Services, Illumina
Classification: Likely benign for 3-hydroxy-3-methylglutaryl-CoA synthase deficiency. Last evaluated: 2018-01-13. Review status: criteria provided, single submitter. Criteria: ICSL Variant Classification Criteria 13 December 2019. Collection method: clinical testing. Allele origin: germline.
Comment: This variant was observed in the ICSL laboratory as part of a predisposition screen in an ostensibly healthy population. It had not been previously curated by ICSL or reported in the Human Gene Mutation Database (HGMD: prior to June 1st, 2018), and was therefore a candidate for classification through an automated scoring system. Utilizing variant allele frequency, disease prevalence and penetrance estimates, and inheritance mode, an automated score was calculated to assess if this variant is too frequent to cause the disease. Based on the score and internal cut-off values, a variant classified as likely benign is not then subjected to further curation. The score for this variant resulted in a classification of likely benign for this disease.